The following is an entry in ClinVar:

NM_001080508.3(TBX18):c.1813C>T (p.His605Tyr)

Gene: TBX18 (T-box transcription factor 18; minus strand). Cytogenetic location: 6q14.3.
Variant type: single nucleotide variant.
Coding change: c.1813C>T on transcript NM_001080508.3 (MANE Select); coding-DNA position 1813, C replaced by T.
Protein change: p.His605Tyr; replaces histidine 605 with tyrosine.
Molecular consequence: missense variant.
Genome position (GRCh38, 1-based): chr6:84,736,696, G>A on the plus strand (C>T on the coding strand, the complement: TBX18 is on the minus strand). VCF-style: chr6-84736696-G-A. GRCh37 (hg19) VCF-style: chr6-85446414-G-A.
Other names: short protein forms H605Y.
Identifiers: ClinVar variation 2085356 (VCV002085356.4), dbSNP rs768512752, ClinGen allele CA3910779.
Genomic context (GRCh38, chr6:84,736,696, plus strand): 5'-AAGAAAATATGTTAGACAGATCCAAATGTCATTTAACTTAAAGGCTTCATCAGACCATAT[G>A]TGCAGATACTTGAGATGATGACAGAGTTAAGCTTCCTAGGGTCCTAGAGTCAAAGAAACT-3'
Protein context (NP_001073977.1, residues 595-607): LTLSSSQVSA[His605Tyr]MV

ClinVar aggregate classification (germline): Uncertain significance (1 of 4 stars; one submission).

Allele frequency attached by ClinVar (database versions not stated): TOPMed below 0.00001; gnomAD 0.00002; gnomAD exomes 0.00006; ExAC 0.00016.
gnomAD v4.1: 90 of 1,568,102 alleles (0.0057%); highest among the groups gnomAD compares: South Asian, 0.1%; no homozygotes.

Submission:

Labcorp Genetics (formerly Invitae), Labcorp
Classification: Uncertain significance. Last evaluated: 2022-10-03. Review status: criteria provided, single submitter. Criteria: Invitae Variant Classification Sherloc (09022015). Collection method: clinical testing. Allele origin: germline.
Comment: In summary, the available evidence is currently insufficient to determine the role of this variant in disease. Therefore, it has been classified as a Variant of Uncertain Significance. Algorithms developed to predict the effect of missense changes on protein structure and function (SIFT, PolyPhen-2, Align-GVGD) all suggest that this variant is likely to be disruptive. This variant has not been reported in the literature in individuals affected with TBX18-related conditions. This variant is present in population databases (rs768512752, gnomAD 0.1%), and has an allele count higher than expected for a pathogenic variant. This sequence change replaces histidine, which is basic and polar, with tyrosine, which is neutral and polar, at codon 605 of the TBX18 protein (p.His605Tyr).